The following is an entry in ClinVar:

NM_152564.5(VPS13B):c.5407A>G (p.Ile1803Val)

Gene: VPS13B (vacuolar protein sorting 13 homolog B; plus strand). Cytogenetic location: 8q22.2.
Variant type: single nucleotide variant.
Coding change: c.5407A>G on transcript NM_152564.5 (MANE Select); coding-DNA position 5407, A replaced by G.
Protein change: p.Ile1803Val; replaces isoleucine 1803 with valine.
Molecular consequence: missense variant.
Genome position (GRCh38, 1-based): chr8:99,641,997, A>G. VCF-style: chr8-99641997-A-G. GRCh37 (hg19) VCF-style: chr8-100654225-A-G.
Other names: c.5482A>G, p.Ile1828Val (NM_017890.5); short protein forms I1803V, I1828V.
Identifiers: ClinVar variation 1021886 (VCV001021886.9), dbSNP rs1829389144, ClinGen allele CA371872482.

ClinVar aggregate classification (germline): Uncertain significance (1 of 4 stars; one submission).

Conditions:
Cohen syndrome (COH1). Also called: Cutis verticis gyrata, retinitis pigmentosa, and sensorineural deafness; PEPPER SYNDROME. Identifiers: Orphanet 193, MedGen C0265223, MONDO:0008999, OMIM 216550.

Allele frequency attached by ClinVar (database versions not stated): gnomAD exomes below 0.00001.
gnomAD v4.1: 1 of 1,614,136 alleles (0.000062%); highest among the groups gnomAD compares: Admixed American, 0.0017%; no homozygotes.

Submission:

Labcorp Genetics (formerly Invitae), Labcorp
Classification: Uncertain significance for Cohen syndrome. Last evaluated: 2024-06-24. Review status: criteria provided, single submitter. Criteria: Invitae Variant Classification Sherloc (09022015). Collection method: clinical testing. Allele origin: germline.
Comment: This sequence change replaces isoleucine, which is neutral and non-polar, with valine, which is neutral and non-polar, at codon 1828 of the VPS13B protein (p.Ile1828Val). This variant is not present in population databases (gnomAD no frequency). This variant has not been reported in the literature in individuals affected with VPS13B-related conditions. ClinVar contains an entry for this variant (Variation ID: 1021886). Advanced modeling of protein sequence and biophysical properties (such as structural, functional, and spatial information, amino acid conservation, physicochemical variation, residue mobility, and thermodynamic stability) performed at Invitae indicates that this missense variant is expected to disrupt VPS13B protein function with a positive predictive value of 80%. In summary, the available evidence is currently insufficient to determine the role of this variant in disease. Therefore, it has been classified as a Variant of Uncertain Significance.